The following is an entry in ClinVar:

NM_005751.5(AKAP9):c.418G>A (p.Gly140Ser)

Gene: AKAP9 (A-kinase anchoring protein 9; plus strand). Cytogenetic location: 7q21.2.
Variant type: single nucleotide variant.
Coding change: c.418G>A on transcript NM_005751.5 (MANE Select); coding-DNA position 418, G replaced by A.
Protein change: p.Gly140Ser; replaces glycine 140 with serine.
Molecular consequence: missense variant.
Genome position (GRCh38, 1-based): chr7:91,992,897, G>A. VCF-style: chr7-91992897-G-A. GRCh37 (hg19) VCF-style: chr7-91622211-G-A.
Other names: c.418G>A, p.Gly140Ser (NM_147185.3); short protein forms G140S.
Identifiers: ClinVar variation 4265458 (VCV004265458.2).

ClinVar aggregate classification (germline): Uncertain significance (1 of 4 stars; one submission).

Conditions:
Cardiovascular phenotype. Identifiers: MedGen CN230736.

Submission:

Ambry Genetics
Classification: Uncertain significance for Cardiovascular phenotype. Last evaluated: 2025-10-05. Review status: criteria provided, single submitter. Criteria: Ambry Variant Classification Scheme 2023. Collection method: clinical testing. Allele origin: germline.
Comment: The p.G140S variant (also known as c.418G>A), located in coding exon 5 of the AKAP9 gene, results from a G to A substitution at nucleotide position 418. The glycine at codon 140 is replaced by serine, an amino acid with similar properties. This amino acid position is conserved. In addition, this alteration is predicted to be tolerated by in silico analysis. Based on the available evidence, the clinical significance of this variant remains unclear.